The following is an entry in ClinVar:

NM_005529.7(HSPG2):c.4408C>T (p.Arg1470Trp)

Gene: HSPG2 (heparan sulfate proteoglycan 2; minus strand). Cytogenetic location: 1p36.12.
Variant type: single nucleotide variant.
Coding change: c.4408C>T on transcript NM_005529.7 (MANE Select); coding-DNA position 4408, C replaced by T.
Protein change: p.Arg1470Trp; replaces arginine 1470 with tryptophan.
Molecular consequence: missense variant.
Genome position (GRCh38, 1-based): chr1:21,865,061, G>A on the plus strand (C>T on the coding strand, the complement: HSPG2 is on the minus strand). VCF-style: chr1-21865061-G-A. GRCh37 (hg19) VCF-style: chr1-22191554-G-A.
Other names: c.4411C>T, p.Arg1471Trp (NM_001291860.2); short protein forms R1471W, R1470W.
Identifiers: ClinVar variation 1480590 (VCV001480590.5), dbSNP rs62642524, ClinGen allele CA19135411.

ClinVar aggregate classification (germline): Uncertain significance (1 of 4 stars; one submission).

Allele frequency attached by ClinVar (database versions not stated): gnomAD 0.00001; gnomAD exomes 0.00001.
gnomAD v4.1: 14 of 1,563,202 alleles (0.0009%); highest among the groups gnomAD compares: African/African-American, 0.0027%; no homozygotes.

Submission:

Labcorp Genetics (formerly Invitae), Labcorp
Classification: Uncertain significance. Last evaluated: 2021-08-27. Review status: criteria provided, single submitter. Criteria: Invitae Variant Classification Sherloc (09022015). Collection method: clinical testing. Allele origin: germline.
Comment: This sequence change replaces arginine with tryptophan at codon 1470 of the HSPG2 protein (p.Arg1470Trp). The arginine residue is highly conserved and there is a moderate physicochemical difference between arginine and tryptophan. The frequency data for this variant in the population databases is considered unreliable, as metrics indicate insufficient coverage at this position in the ExAC database. This variant has not been reported in the literature in individuals affected with HSPG2-related conditions. Algorithms developed to predict the effect of missense changes on protein structure and function are either unavailable or do not agree on the potential impact of this missense change (SIFT: "Deleterious"; PolyPhen-2: "Probably Damaging"; Align-GVGD: "Class C0"). In summary, the available evidence is currently insufficient to determine the role of this variant in disease. Therefore, it has been classified as a Variant of Uncertain Significance.